The following is an entry in ClinVar:

ClinVar aggregate classification (germline): Uncertain significance. Review status: criteria provided, multiple submitters, no conflicts (2 of 4 stars). 3 submissions from 3 submitters: Uncertain significance (3). Last evaluated 2025-12-05.

Conditions:
Hereditary cancer-predisposing syndrome. Also called: Neoplastic Syndromes, Hereditary; Tumor predisposition; Hereditary Cancer Syndrome; Hereditary neoplastic syndrome. Identifiers: Orphanet 140162, MedGen C0027672, MeSH D009386, MONDO:0015356.
Multiple endocrine neoplasia, type 2 (MEN2). Identifiers: Orphanet 653, MedGen C4048306, MONDO:0019003. Disease mechanism: gain of function.

Submissions (3):

Women's Health and Genetics/Laboratory Corporation of America, LabCorp
Classification: Uncertain significance. Last evaluated: 2025-12-05. Review status: criteria provided, single submitter. Criteria: LabCorp Variant Classification Summary - May 2015. Collection method: clinical testing. Allele origin: germline.
Comment: Variant summary: RET c.2719A>C (p.Lys907Gln) results in a conservative amino acid change in the encoded protein sequence. Algorithms developed to predict the effect of missense changes on protein structure and function are either unavailable or do not agree on the potential impact of this missense change. The variant was absent in 249990 control chromosomes. The available data on variant occurrences in the general population are insufficient to allow any conclusion about variant significance. To our knowledge, no occurrence of c.2719A>C in individuals affected with RET-related conditions and no experimental evidence demonstrating its impact on protein function have been reported. ClinVar contains an entry for this variant (Variation ID: 231958). Based on the evidence outlined above, the variant was classified as uncertain significance.

Ambry Genetics
Classification: Uncertain significance for Hereditary cancer-predisposing syndrome. Last evaluated: 2024-04-12. Review status: criteria provided, single submitter. Criteria: Ambry Variant Classification Scheme 2023. Collection method: clinical testing. Allele origin: germline.
Comment: The p.K907Q variant (also known as c.2719A>C), located in coding exon 15 of the RET gene, results from an A to C substitution at nucleotide position 2719. The lysine at codon 907 is replaced by glutamine, an amino acid with similar properties. This amino acid position is highly conserved in available vertebrate species. In addition, this alteration is predicted to be deleterious by in silico analysis. Based on the available evidence, the clinical significance of this variant remains unclear.

Labcorp Genetics (formerly Invitae), Labcorp
Classification: Uncertain significance for Multiple endocrine neoplasia, type 2. Last evaluated: 2019-12-05. Review status: criteria provided, single submitter. Criteria: Invitae Variant Classification Sherloc (09022015). Collection method: clinical testing. Allele origin: germline.
Comment: In summary, the available evidence is currently insufficient to determine the role of this variant in disease. Therefore, it has been classified as a Variant of Uncertain Significance. Algorithms developed to predict the effect of missense changes on protein structure and function are either unavailable or do not agree on the potential impact of this missense change (SIFT: "Deleterious"; PolyPhen-2: "Probably Damaging"; Align-GVGD: "Class C0"). This variant has not been reported in the literature in individuals with RET-related conditions. ClinVar contains an entry for this variant (Variation ID: 231958). This variant is not present in population databases (ExAC no frequency). This sequence change replaces lysine with glutamine at codon 907 of the RET protein (p.Lys907Gln). The lysine residue is highly conserved and there is a small physicochemical difference between lysine and glutamine.

NM_020975.6(RET):c.2719A>C (p.Lys907Gln)

Gene: RET (ret proto-oncogene; plus strand). Cytogenetic location: 10q11.21.
Variant type: single nucleotide variant.
Coding change: c.2719A>C on transcript NM_020975.6 (MANE Select); coding-DNA position 2719, A replaced by C.
Protein change: p.Lys907Gln; replaces lysine 907 with glutamine.
Molecular consequence: missense variant.
Genome position (GRCh38, 1-based): chr10:43,120,192, A>C. VCF-style: chr10-43120192-A-C. GRCh37 (hg19) VCF-style: chr10-43615640-A-C.
Other names: c.2719A>C, p.Lys907Gln (NM_000323.2, NM_001406743.1, NM_001406744.1 and 4 more transcripts); c.1957A>C, p.Lys653Gln (NM_001355216.2); c.2590A>C, p.Lys864Gln (NM_001406761.1, NM_001406762.1, NM_001406764.1); c.2584A>C, p.Lys862Gln (NM_001406763.1, NM_001406765.1); c.2431A>C, p.Lys811Gln (NM_001406766.1, NM_001406767.1, NM_001406770.1); c.2455A>C, p.Lys819Gln (NM_001406768.1); c.2323A>C, p.Lys775Gln (NM_001406769.1, NM_001406772.1); c.2281A>C, p.Lys761Gln (NM_001406771.1, NM_001406773.1); and 10 more; short protein forms K907Q, K653Q, K424Q, K472Q, K565Q, K761Q, K819Q, K512Q.
Identifiers: ClinVar variation 231958 (VCV000231958.18), dbSNP rs377767430, ClinGen allele CA10578869.